The following is an entry in ClinVar:

ClinVar aggregate classification (germline): Uncertain significance. Review status: criteria provided, multiple submitters, no conflicts (2 of 4 stars). 3 submissions from 3 submitters: Uncertain significance (3). Last evaluated 2022-07-01.

Conditions:
Inborn genetic diseases. Identifiers: MedGen C0950123, MeSH D030342.

Allele frequency attached by ClinVar (database versions not stated): gnomAD 0.00001 and 0.00002; TOPMed 0.00005; ExAC 0.00010; gnomAD exomes 0.00015.
gnomAD v4.1: 46 of 1,614,152 alleles (0.0028%); highest among the groups gnomAD compares: Admixed American, 0.077%; no homozygotes.

Submissions (3):

Labcorp Genetics (formerly Invitae), Labcorp
Classification: Uncertain significance. Last evaluated: 2022-07-01. Review status: criteria provided, single submitter. Criteria: Invitae Variant Classification Sherloc (09022015). Collection method: clinical testing. Allele origin: germline.
Comment: This sequence change replaces glutamic acid, which is acidic and polar, with valine, which is neutral and non-polar, at codon 554 of the MCPH1 protein (p.Glu554Val). This variant is present in population databases (rs779570029, gnomAD 0.1%). This variant has not been reported in the literature in individuals affected with MCPH1-related conditions. ClinVar contains an entry for this variant (Variation ID: 593183). Algorithms developed to predict the effect of missense changes on protein structure and function are either unavailable or do not agree on the potential impact of this missense change (SIFT: "Not Available"; PolyPhen-2: "Probably Damaging"; Align-GVGD: "Not Available"). In summary, the available evidence is currently insufficient to determine the role of this variant in disease. Therefore, it has been classified as a Variant of Uncertain Significance.

Ambry Genetics
Classification: Uncertain significance for Inborn genetic diseases. Last evaluated: 2021-02-08. Review status: criteria provided, single submitter. Criteria: Ambry Variant Classification Scheme 2023. Collection method: clinical testing. Allele origin: germline.

Eurofins Ntd Llc (ga)
Classification: Uncertain significance. Last evaluated: 2017-07-19. Review status: criteria provided, single submitter. Criteria: EGL Classification Definitions 2015. Collection method: clinical testing. Allele origin: germline. Observed: 1 variant allele, 1 heterozygote.

NM_024596.5(MCPH1):c.1661A>T (p.Glu554Val)

Gene: MCPH1 (microcephalin 1; plus strand). Cytogenetic location: 8p23.1.
Variant type: single nucleotide variant.
Coding change: c.1661A>T on transcript NM_024596.5 (MANE Select); coding-DNA position 1661, A replaced by T.
Protein change: p.Glu554Val; replaces glutamic acid 554 with valine.
Molecular consequence: missense variant. On other transcripts: non-coding transcript variant (1).
Genome position (GRCh38, 1-based): chr8:6,445,383, A>T. VCF-style: chr8-6445383-A-T. GRCh37 (hg19) VCF-style: chr8-6302904-A-T.
Other names: c.1661A>T, p.Glu554Val (NM_001172574.2, NM_001322042.2, NM_001363979.1 and 1 more transcripts); c.1517A>T, p.Glu506Val (NM_001172575.2); c.1655A>T, p.Glu552Val (NM_001322043.2); c.1559A>T, p.Glu520Val (NM_001322045.2); c.1661A>T (NM_024596.3); short protein forms E554V, E520V, E552V, E506V.
Identifiers: ClinVar variation 593183 (VCV000593183.10), dbSNP rs779570029, ClinGen allele CA4610614.